The following is an entry in ClinVar:

ClinVar aggregate classification (germline): Pathogenic (1 of 4 stars; one submission).

Conditions:
Anauxetic dysplasia. Identifiers: Orphanet 93347, MedGen C1846796, MONDO:0011773.

Submission:

Labcorp Genetics (formerly Invitae), Labcorp
Classification: Pathogenic for Anauxetic dysplasia. Last evaluated: 2024-09-06. Review status: criteria provided, single submitter. Criteria: Invitae Variant Classification Sherloc (09022015). Collection method: clinical testing. Allele origin: germline.
Comment: This variant occurs in the RMRP gene, which encodes an RNA molecule that does not result in a protein product. This variant is present in population databases (no rsID available, gnomAD no frequency). While this particular variant has not been reported in the literature, it is located in the promoter region between the TATA box and the transcription initiation site, and other insertions and duplications immediately upstream of the coding sequence have been reported in individuals affected with cartilage-hair hypoplasia-anauxetic dysplasia (CHH-AD) spectrum disorders (PMID: 16244706, 11207361, 12107819). While functional studies for this variant have not been reported, experimental analyses using patient derived cells, as well as in vitro transfection studies, have shown that promoter insertions result in silencing of RMRP transcription and reduced expression of the gene product (PMID: 11207361, 16254002). For these reasons, this variant has been classified as Pathogenic.

Literature cited by the submitters: PubMed 16244706; PubMed 11207361; PubMed 12107819; PubMed 16254002.

NC_000009.12:g.35658017_35658040dup

Gene: RMRP (RNA component of mitochondrial RNA processing endoribonuclease; minus strand). Cytogenetic location: 9p13.3.
Variant type: Duplication.
Genome position: GRCh38 VCF-style: chr9-35658015-A-AACCACGTCCTCAGCTTCACAGAGT. GRCh37 (hg19) VCF-style: chr9-35658012-A-AACCACGTCCTCAGCTTCACAGAGT.
Identifiers: ClinVar variation 1373627 (VCV001373627.6), dbSNP rs1563907676, ClinGen allele CA587570180.
Genomic context (GRCh38, chr9:35,658,015, plus strand): 5'-GGCGGAAAGGGGAGGAACAGAGTCCTCAGTGTGTAGCCTAGGATACAGGCCTTCAGCACG[A>AACCACGTCCTCAGCTTCACAGAGT]ACCACGTCCTCAGCTTCACAGAGTAGTATTTTATAGCCCTAAAGAAATTGTGTTTTATGA-3'